The following is an entry in ClinVar:

chr19:56133299..57648277 complex variant

Genes: CCDC106 (coiled-coil domain containing 106; plus strand), EPN1 (epsin 1; plus strand), GALP (galanin like peptide; plus strand), NLRP11 (NLR family pyrin domain containing 11; minus strand), NLRP13 (NLR family pyrin domain containing 13; minus strand) and 28 more. Cytogenetic location: 19q13.42-13.43.
Variant type: Complex.
Identifiers: ClinVar variation 221354 (VCV000221354.2).

ClinVar aggregate classification (germline): Uncertain significance (0 of 4 stars; one submission).

Conditions:
Breast ductal adenocarcinoma. Also called: Ductal breast carcinoma; Breast cancer, invasive ductal. Identifiers: MedGen C1527349, MONDO:0005590.

Submission:

Next Generation Diagnostics, Novartis Institutes for BioMedical Research, Inc.
Classification: Uncertain significance for Breast ductal adenocarcinoma. Last evaluated: 2015-07-20. Review status: no assertion criteria provided. Collection method: research. Allele origin: somatic. Affected: yes.
Comment: Loss of heterozygosity